The following is an entry in ClinVar:

NM_030912.3(TRIM8):c.464A>C (p.His155Pro)

Gene: TRIM8 (tripartite motif containing 8; plus strand). Cytogenetic location: 10q24.32.
Variant type: single nucleotide variant.
Coding change: c.464A>C on transcript NM_030912.3 (MANE Select); coding-DNA position 464, A replaced by C.
Protein change: p.His155Pro; replaces histidine 155 with proline.
Molecular consequence: missense variant. On other transcripts: non-coding transcript variant (1).
Genome position (GRCh38, 1-based): chr10:102,645,081, A>C. VCF-style: chr10-102645081-A-C. GRCh37 (hg19) VCF-style: chr10-104404838-A-C.
Other names: c.464A>C, p.His155Pro (NM_001345950.1); short protein forms H155P.
Identifiers: ClinVar variation 3659640 (VCV003659640.2).

ClinVar aggregate classification (germline): Uncertain significance (1 of 4 stars; one submission).

Submission:

Labcorp Genetics (formerly Invitae), Labcorp
Classification: Uncertain significance. Last evaluated: 2024-07-19. Review status: criteria provided, single submitter. Criteria: Invitae Variant Classification Sherloc (09022015). Collection method: clinical testing. Allele origin: germline.
Comment: This sequence change replaces histidine, which is basic and polar, with proline, which is neutral and non-polar, at codon 155 of the TRIM8 protein (p.His155Pro). This variant is not present in population databases (gnomAD no frequency). This variant has not been reported in the literature in individuals affected with TRIM8-related conditions. An algorithm developed to predict the effect of missense changes on protein structure and function (PolyPhen-2) suggests that this variant is likely to be disruptive. In summary, the available evidence is currently insufficient to determine the role of this variant in disease. Therefore, it has been classified as a Variant of Uncertain Significance.